The following is an entry in ClinVar:

ClinVar aggregate classification (germline): Likely benign (1 of 4 stars; one submission).

Submission:

GeneDx
Classification: Likely benign. Last evaluated: 2017-03-31. Review status: criteria provided, single submitter. Criteria: GeneDx Variant Classification (06012015). Collection method: clinical testing. Allele origin: germline. Affected: yes.
Comment: This variant is considered likely benign or benign based on one or more of the following criteria: it is a conservative change, it occurs at a poorly conserved position in the protein, it is predicted to be benign by multiple in silico algorithms, and/or has population frequency not consistent with disease.

NM_001127644.2(GABRA1):c.187+16G>A

Gene: GABRA1 (gamma-aminobutyric acid type A receptor subunit alpha1; plus strand). Cytogenetic location: 5q34.
Variant type: single nucleotide variant.
Coding change: c.187+16G>A on transcript NM_001127644.2 (MANE Select); 16 bases into the intron after coding-DNA position 187, G replaced by A.
Molecular consequence: intron variant.
Genome position (GRCh38, 1-based): chr5:161,854,286, G>A. VCF-style: chr5-161854286-G-A. GRCh37 (hg19) VCF-style: chr5-161281292-G-A.
Other names: c.187+16G>A (NM_000806.5, NM_001127643.2, NM_001127645.2 and 1 more transcripts).
Identifiers: ClinVar variation 508465 (VCV000508465.1), dbSNP rs1554084016, ClinGen allele CA658796671.
Genomic context (GRCh38, chr5:161,854,286, plus strand): 5'-GACTCCTAGATGGTTATGACAATCGCCTGAGACCAGGATTGGGAGGTAGGTTGCATTATT[G>A]TATTTTTGTTTTAGAGAATAATATGAGATCTTTACTATCACAGCCTTAATTTACCTCTAA-3'